The following is an entry in ClinVar:

NM_001077653.2(TBX20):c.1046G>C (p.Trp349Ser)

Gene: TBX20 (T-box transcription factor 20; minus strand). Cytogenetic location: 7p14.2.
Variant type: single nucleotide variant.
Coding change: c.1046G>C on transcript NM_001077653.2 (MANE Select); coding-DNA position 1046, G replaced by C.
Protein change: p.Trp349Ser; replaces tryptophan 349 with serine.
Molecular consequence: missense variant.
Genome position (GRCh38, 1-based): chr7:35,202,728, C>G on the plus strand (G>C on the coding strand, the complement: TBX20 is on the minus strand). VCF-style: chr7-35202728-C-G. GRCh37 (hg19) VCF-style: chr7-35242340-C-G.
Other names: short protein forms W349S.
Identifiers: ClinVar variation 1303716 (VCV001303716.12), dbSNP rs748900621, ClinGen allele CA4217362.

ClinVar aggregate classification (germline): Conflicting classifications of pathogenicity. Review status: criteria provided, conflicting classifications (1 of 4 stars). 5 submissions from 5 submitters: Uncertain significance (4); Likely benign (1). Last evaluated 2026-08-27.

Conditions:
Cardiovascular phenotype. Identifiers: MedGen CN230736.
Atrial septal defect 4 (ASD4). Identifiers: Orphanet 1478, MedGen C1969657, MONDO:0012654, OMIM 611363.

Allele frequency attached by ClinVar (database versions not stated): gnomAD 0.00002 and 0.00001; TOPMed 0.00002; gnomAD exomes 0.00006 and 0.00004; 1000 Genomes Project 30x 0.00016; ExAC 0.00014.
gnomAD v4.1: 56 of 1,580,378 alleles (0.0035%); highest among the groups gnomAD compares: East Asian, 0.061%; no homozygotes.

Submissions (5):

GeneDx
Classification: Uncertain significance. Last evaluated: 2026-08-27. Review status: criteria provided, single submitter. Criteria: GeneDx Variant Classification Process June 2021. Collection method: clinical testing. Allele origin: germline.
Comment: In silico analysis suggests that this missense variant does not alter protein structure/function; Has not been previously published as pathogenic or benign to our knowledge

Labcorp Genetics (formerly Invitae), Labcorp
Classification: Uncertain significance. Last evaluated: 2025-11-12. Review status: criteria provided, single submitter. Criteria: Invitae Variant Classification Sherloc (09022015). Collection method: clinical testing. Allele origin: germline.
Comment: This sequence change replaces tryptophan, which is neutral and slightly polar, with serine, which is neutral and polar, at codon 349 of the TBX20 protein (p.Trp349Ser). This variant is present in population databases (rs748900621, gnomAD 0.07%), and has an allele count higher than expected for a pathogenic variant. This variant has not been reported in the literature in individuals affected with TBX20-related conditions. ClinVar contains an entry for this variant (Variation ID: 1303716). Invitae Evidence Modeling of protein sequence and biophysical properties (such as structural, functional, and spatial information, amino acid conservation, physicochemical variation, residue mobility, and thermodynamic stability) indicates that this missense variant is not expected to disrupt TBX20 protein function with a negative predictive value of 80%. In summary, the available evidence is currently insufficient to determine the role of this variant in disease. Therefore, it has been classified as a Variant of Uncertain Significance.

Laboratory of Genetics, Children's Clinical University Hospital Latvia
Classification: Likely benign. Last evaluated: 2025-02-16. Review status: criteria provided, single submitter. Criteria: ACMG Guidelines, 2015. Collection method: clinical testing. Allele origin: germline. Affected: yes.

Ambry Genetics
Classification: Uncertain significance for Cardiovascular phenotype. Last evaluated: 2024-11-27. Review status: criteria provided, single submitter. Criteria: Ambry Variant Classification Scheme 2023. Collection method: clinical testing. Allele origin: germline.
Comment: The p.W349S variant (also known as c.1046G>C), located in coding exon 8 of the TBX20 gene, results from a G to C substitution at nucleotide position 1046. The tryptophan at codon 349 is replaced by serine, an amino acid with highly dissimilar properties. This amino acid position is conserved. In addition, this alteration is predicted to be deleterious by in silico analysis. Since supporting evidence is limited at this time, the clinical significance of this alteration remains unclear.

Fulgent Genetics
Classification: Uncertain significance for Atrial septal defect 4. Last evaluated: 2021-10-05. Review status: criteria provided, single submitter. Criteria: ACMG Guidelines, 2015. Collection method: clinical testing. Allele origin: unknown.